The following is an entry in ClinVar:

ClinVar aggregate classification (germline): Pathogenic. Review status: reviewed by expert panel (3 of 4 stars). 3 submissions from 3 submitters: Pathogenic (1). 2 of the submissions do not count toward it. Last evaluated 2016-09-08.

Conditions:
Hereditary breast ovarian cancer syndrome. Also called: Hereditary breast and ovarian cancer syndrome (HBOC); Hereditary breast and ovarian cancer syndrome; Hereditary breast and ovarian cancer; Hereditary breast and/or ovarian cancer syndrome; Breast and ovarian cancer; BRCA1- and BRCA2-Associated Hereditary Breast and Ovarian Cancer. Identifiers: Orphanet 145, MedGen C0677776, MeSH D061325, MONDO:0003582. Disease mechanism: loss of function.
Breast-ovarian cancer, familial, susceptibility to, 1 (BROVCA1). Also called: OVARIAN CANCER, SUSCEPTIBILITY TO; BRCA1 Hereditary Breast and Ovarian Cancer. Identifiers: Orphanet 145, MedGen C2676676, MONDO:0011450, OMIM 604370. Disease mechanism: loss of function.

Submissions (3):

Evidence-based Network for the Interpretation of Germline Mutant Alleles (ENIGMA)
Classification: Pathogenic for Breast-ovarian cancer, familial, susceptibility to, 1. Last evaluated: 2016-09-08. Review status: reviewed by expert panel. Criteria: ENIGMA BRCA1/2 Classification Criteria (2015). Collection method: curation. Allele origin: germline.
Comment: Variant allele predicted to encode a truncated non-functional protein.

Labcorp Genetics (formerly Invitae), Labcorp
Classification: Pathogenic for Hereditary breast ovarian cancer syndrome. Last evaluated: 2024-01-29. Review status: criteria provided, single submitter. Criteria: Invitae Variant Classification Sherloc (09022015). Collection method: clinical testing. Allele origin: germline. Not counted in ClinVar's aggregate classification.
Comment: This sequence change creates a premature translational stop signal (p.Gly933Argfs*66) in the BRCA1 gene. It is expected to result in an absent or disrupted protein product. Loss-of-function variants in BRCA1 are known to be pathogenic (PMID: 20104584). This variant is present in population databases (rs80357840, gnomAD 0.006%). This premature translational stop signal has been observed in individual(s) with breast cancer (PMID: 9544766, 10717622). This variant is also known as 2911del4. ClinVar contains an entry for this variant (Variation ID: 54681). For these reasons, this variant has been classified as Pathogenic.

Breast Cancer Information Core (BIC) (BRCA1)
Classification: Pathogenic for Breast-ovarian cancer, familial 1. Last evaluated: 2004-02-20. Review status: no assertion criteria provided. Collection method: clinical testing. Allele origin: germline. Affected: yes. Observed: 2 variant alleles. Not counted in ClinVar's aggregate classification.

Literature cited by the submitters: PubMed 20104584 (cited by Labcorp Genetics (formerly Invitae), Labcorp); PubMed 9544766 (cited by Labcorp Genetics (formerly Invitae), Labcorp); PubMed 10717622 (cited by Labcorp Genetics (formerly Invitae), Labcorp).

NM_007294.4(BRCA1):c.2796_2799del (p.Gly933fs)

Gene: BRCA1 (BRCA1 DNA repair associated; minus strand). Cytogenetic location: 17q21.31.
Variant type: Microsatellite.
Coding change: c.2796_2799del on transcript NM_007294.4 (MANE Select); coding-DNA positions 2796 to 2799, 4 bases deleted (TGGT; older notation c.2796_2799delTGGT).
Protein change: p.Gly933fs; shifts the reading frame from glycine 933.
Molecular consequence: frameshift variant. On other transcripts: intron variant (137).
Genome position (GRCh38, 1-based): chr17:43,092,732-43,092,735, ACCA deleted on the plus strand (TGGT on the coding strand, the reverse complement: BRCA1 is on the minus strand); deleting any 4 consecutive bases within chr17:43,092,732-43,092,739 gives the same sequence; the c. name uses the placement nearest the transcript's 3' end. VCF-style (leftmost placement, unchanged base first): chr17-43092731-GACCA-G. GRCh37 (hg19) VCF-style: chr17-41244748-GACCA-G.
Other names: 2915del4; c.2796_2799delTGGT (NM_007294.3); c.575-1703_575-1700del (NM_001408493.1, NM_001408490.1, NM_001408491.1); c.455-1703_455-1700del (NM_001408502.1); c.578-1703_578-1700del (NM_001408489.1, NM_001408479.1, NM_001408482.1 and 9 more transcripts); c.662-1703_662-1700del (NM_001408445.1, NM_001408432.1, NM_001408450.1 and 6 more transcripts); c.668-1703_668-1700del (NM_001408431.1, NM_001408424.1, NM_001408421.1); c.785-1703_785-1700del (NM_001408407.1, NM_001408402.1, NM_001408473.1 and 13 more transcripts); and 43 more; short protein forms G886fs, G933fs, G765fs, G805fs, G822fs, G863fs, G865fs, G637fs.
Identifiers: ClinVar variation 54681 (VCV000054681.6), dbSNP rs80357840, ClinGen allele CA001832.